The following is an entry in ClinVar:

ClinVar aggregate classification (germline): Uncertain significance (1 of 4 stars; one submission).

Conditions:
Hereditary cancer-predisposing syndrome. Also called: Hereditary neoplastic syndrome; Tumor predisposition; Hereditary Cancer Syndrome; Neoplastic Syndromes, Hereditary. Identifiers: Orphanet 140162, MedGen C0027672, MeSH D009386, MONDO:0015356.

Submission:

Ambry Genetics
Classification: Uncertain significance for Hereditary cancer-predisposing syndrome. Last evaluated: 2023-09-12. Review status: criteria provided, single submitter. Criteria: Ambry Variant Classification Scheme 2023. Collection method: clinical testing. Allele origin: germline.
Comment: The p.S966I variant (also known as c.2897G>T), located in coding exon 15 of the APC gene, results from a G to T substitution at nucleotide position 2897. The serine at codon 966 is replaced by isoleucine, an amino acid with dissimilar properties. This amino acid position is highly conserved in available vertebrate species. In addition, in silico predictors for this gene do not accurately predict pathogenicity. Since supporting evidence is limited at this time, the clinical significance of this alteration remains unclear.

NM_000038.6(APC):c.2897G>T (p.Ser966Ile)

Gene: APC (APC regulator of Wnt signaling pathway; plus strand). Cytogenetic location: 5q22.2.
Variant type: single nucleotide variant.
Coding change: c.2897G>T on transcript NM_000038.6 (MANE Select); coding-DNA position 2897, G replaced by T.
Protein change: p.Ser966Ile; replaces serine 966 with isoleucine.
Molecular consequence: missense variant. On other transcripts: non-coding transcript variant (2).
Genome position (GRCh38, 1-based): chr5:112,838,491, G>T. VCF-style: chr5-112838491-G-T. GRCh37 (hg19) VCF-style: chr5-112174188-G-T.
Other names: c.2822G>T, p.Ser941Ile (NM_001354898.2); c.2813G>T, p.Ser938Ile (NM_001354899.2); c.2774G>T, p.Ser925Ile (NM_001354900.2); c.2720G>T, p.Ser907Ile (NM_001354901.2, NM_001407453.1); c.2624G>T, p.Ser875Ile (NM_001354902.2); c.2594G>T, p.Ser865Ile (NM_001354903.2, NM_001407458.1, NM_001407459.1 and 1 more transcripts); c.2519G>T, p.Ser840Ile (NM_001354904.2); c.2417G>T, p.Ser806Ile (NM_001354905.2); and 11 more; short protein forms S582I, S865I, S907I, S941I, S948I, S966I, S840I, S875I.
Identifiers: ClinVar variation 2587034 (VCV002587034.2), dbSNP rs2149879712, ClinGen allele CA16027658.